The following is an entry in ClinVar:

ClinVar aggregate classification (germline): Uncertain significance (1 of 4 stars; one submission).

gnomAD v4.1: 1 of 1,608,838 alleles (0.000062%); highest among the groups gnomAD compares: Non-Finnish European, 0.000085%; no homozygotes.

Submission:

Labcorp Genetics (formerly Invitae), Labcorp
Classification: Uncertain significance. Last evaluated: 2025-07-25. Review status: criteria provided, single submitter. Criteria: Invitae Variant Classification Sherloc (09022015). Collection method: clinical testing. Allele origin: germline.
Comment: This sequence change replaces alanine, which is neutral and non-polar, with serine, which is neutral and polar, at codon 1386 of the ASPM protein (p.Ala1386Ser). This variant is not present in population databases (gnomAD no frequency). This variant has not been reported in the literature in individuals affected with ASPM-related conditions. Invitae Evidence Modeling of protein sequence and biophysical properties (such as structural, functional, and spatial information, amino acid conservation, physicochemical variation, residue mobility, and thermodynamic stability) indicates that this missense variant is not expected to disrupt ASPM protein function with a negative predictive value of 80%. In summary, the available evidence is currently insufficient to determine the role of this variant in disease. Therefore, it has been classified as a Variant of Uncertain Significance.

NM_018136.5(ASPM):c.4156G>T (p.Ala1386Ser)

Gene: ASPM (assembly factor for spindle microtubules; minus strand). Cytogenetic location: 1q31.3.
Variant type: single nucleotide variant.
Coding change: c.4156G>T on transcript NM_018136.5 (MANE Select); coding-DNA position 4156, G replaced by T.
Protein change: p.Ala1386Ser; replaces alanine 1386 with serine.
Molecular consequence: missense variant. On other transcripts: intron variant (1).
Genome position (GRCh38, 1-based): chr1:197,105,095, C>A on the plus strand (G>T on the coding strand, the complement: ASPM is on the minus strand). VCF-style: chr1-197105095-C-A. GRCh37 (hg19) VCF-style: chr1-197074225-C-A.
Other names: c.4066-8931G>T (NM_001206846.2); short protein forms A1386S.
Identifiers: ClinVar variation 4697341 (VCV004697341.1).